The following is an entry in ClinVar:

ClinVar aggregate classification (germline): Likely pathogenic (0 of 4 stars; one submission).

Conditions:
ALG8-related disorder.

Submission:

PreventionGenetics, part of Exact Sciences
Classification: Likely pathogenic for ALG8-related condition. Last evaluated: 2024-07-11. Review status: no assertion criteria provided. Collection method: clinical testing. Allele origin: germline.
Comment: The ALG8 c.898+1G>T variant is predicted to disrupt the GT donor site and interfere with normal splicing. To our knowledge, this variant has not been reported in the literature. This variant is reported in 0.00088% of alleles in individuals of European (Non-Finnish) descent in gnomAD. Variants that disrupt the consensus splice donor site in ALG8 are expected to be pathogenic. Of note, loss-of-function variants in ALG8 have been reported in association with autosomal recessive congenital disorder of glycosylation (see for example, Schollen et al. 2004. PubMed ID: 15235028; Vuillaumier-Barrot et al. 2019. PubMed ID: 30420707). This variant is interpreted as likely pathogenic for autosomal recessive ALG8-related disorders. In addition, in a study of assessing the relationship between truncating ALG8 variants and polycystic kidney disease (PKD), individuals who are heterozygous for ALG8 pathogenic or likely pathogenic variants were shown to have increased risk of a mild (atypical) cystic kidney disease phenotype on imaging (Apple et al. 2023. PubMed ID: 36574950). For autosomal dominant polycystic kidney-spectrum phenotype, however, it is currently uncertain since there is limited evidence to support the gene-disease relationship (ALG8 at ClinGen).

NM_024079.5(ALG8):c.898+1G>T

Gene: ALG8 (ALG8 alpha-1,3-glucosyltransferase; minus strand). Cytogenetic location: 11q14.1.
Variant type: single nucleotide variant.
Coding change: c.898+1G>T on transcript NM_024079.5 (MANE Select); the canonical splice donor site of the intron after coding-DNA position 898, G replaced by T.
Molecular consequence: splice donor variant. On other transcripts: intron variant (2).
Genome position (GRCh38, 1-based): chr11:78,112,649, C>A on the plus strand (G>T on the coding strand, the complement: ALG8 is on the minus strand). VCF-style: chr11-78112649-C-A. GRCh37 (hg19) VCF-style: chr11-77823695-C-A.
Other names: c.634+1G>T (NM_001425234.1, NM_001425239.1); c.697+1G>T (NM_001425231.1); c.745+1G>T (NM_001425235.1, NM_001425226.1, NM_001425236.1); c.883+1G>T (NM_001425220.1); c.382+1G>T (NM_001425241.1); c.547-5703G>T (NM_001425240.1); c.343+1G>T (NM_001425242.1); c.794+1G>T (NM_001425238.1); and 5 more.
Identifiers: ClinVar variation 3347910 (VCV003347910.1).